The following is an entry in ClinVar:

NM_000441.2(SLC26A4):c.1470C>T (p.Ile490=)

Gene: SLC26A4 (solute carrier family 26 member 4; plus strand). Cytogenetic location: 7q22.3.
Variant type: single nucleotide variant.
Coding change: c.1470C>T on transcript NM_000441.2 (MANE Select); coding-DNA position 1470, C replaced by T.
Protein change: p.Ile490=; no amino-acid change (isoleucine 490 retained).
Molecular consequence: synonymous variant.
Genome position (GRCh38, 1-based): chr7:107,695,965, C>T. VCF-style: chr7-107695965-C-T. GRCh37 (hg19) VCF-style: chr7-107336410-C-T.
Identifiers: ClinVar variation 165253 (VCV000165253.18), dbSNP rs140918297, ClinGen allele CA177996.
Genomic context (GRCh38, chr7:107,695,965, plus strand): 5'-TTCTTTTCATTTCTATTTTTTTCCCTAGGTTATCTGGGTGTTTACGTGTATAGTGTCCAT[C>T]ATTCTGGGGCTGGATCTCGGTTTACTAGCTGGCCTTATATTTGGACTGTTGACTGTGGTC-3'
Protein context (NP_000432.1, residues 480-500): VIWVFTCIVS[Ile490=]ILGLDLGLLA

ClinVar aggregate classification (germline): Benign/Likely benign. Review status: criteria provided, multiple submitters, no conflicts (2 of 4 stars). 3 submissions from 3 submitters: Benign (1); Likely benign (2). Last evaluated 2025-12-17.

Allele frequency attached by ClinVar (database versions not stated): gnomAD exomes 0.00008 and 0.00039; 1000 Genomes Project 30x 0.00031; ExAC 0.00032; gnomAD 0.00007 and 0.00006; TOPMed 0.00016; 1000 Genomes Project 0.00020.
gnomAD v4.1: 122 of 1,611,166 alleles (0.0076%); highest among the groups gnomAD compares: Admixed American, 0.2%; no homozygotes.

Submissions (3):

Labcorp Genetics (formerly Invitae), Labcorp
Classification: Benign. Last evaluated: 2025-12-17. Review status: criteria provided, single submitter. Criteria: Invitae Variant Classification Sherloc (09022015). Collection method: clinical testing. Allele origin: germline.

GeneDx
Classification: Likely benign. Last evaluated: 2021-05-12. Review status: criteria provided, single submitter. Criteria: GeneDx Variant Classification Process June 2021. Collection method: clinical testing. Allele origin: germline. Affected: yes.

Laboratory for Molecular Medicine, Mass General Brigham Personalized Medicine
Classification: Likely benign. Last evaluated: 2018-08-02. Review status: criteria provided, single submitter. Criteria: LMM Criteria. Collection method: clinical testing. Allele origin: germline. Observed: 2 variant alleles.
Comment: The p.Ile490Ile variant in SLC26A4 is classified as likely benign since it is no t expected to have clinical significance because it does not alter an amino acid residue, it is not located within the splice consensus sequence, and it has bee n identified in 0.29% (101/34404) of Latino chromosomes by the Genome Aggregatio n Database (gnomAD).